The following is an entry in ClinVar:

NM_152641.4(ARID2):c.4514_4516delinsTTT (p.Ser1505_Thr1506delinsPheSer)

Gene: ARID2 (AT-rich interaction domain 2; plus strand). Cytogenetic location: 12q12.
Variant type: Indel.
Coding change: c.4514_4516delinsTTT on transcript NM_152641.4 (MANE Select); coding-DNA positions 4514 to 4516, CTA replaced by TTT.
Protein change: p.Ser1505_Thr1506delinsPheSer.
Molecular consequence: missense variant.
Genome position (GRCh38, 1-based): chr12:45,852,637-45,852,639, CTA replaced by TTT. VCF-style: chr12-45852637-CTA-TTT. GRCh37 (hg19) VCF-style: chr12-46246420-CTA-TTT.
Other names: c.4514_4516delinsTTT, p.Ser1505_Thr1506delinsPheSer (NM_001347839.2).
Identifiers: ClinVar variation 5009592 (VCV005009592.1).

ClinVar aggregate classification (germline): Uncertain significance (1 of 4 stars; one submission).

Submission:

GeneDx
Classification: Uncertain significance. Last evaluated: 2026-03-21. Review status: criteria provided, single submitter. Criteria: GeneDx Variant Classification Process June 2021. Collection method: clinical testing. Allele origin: germline.
Comment: Not observed at significant frequency in large population cohorts (gnomAD); In silico analysis supports a deleterious effect on protein structure/function; Has not been previously published as pathogenic or benign to our knowledge